The following continues an entry in ClinVar:

NM_000256.3(MYBPC3):c.1483C>G (p.Arg495Gly)

Gene: MYBPC3. ClinVar aggregate classification (germline): Likely pathogenic. Likely pathogenic (1).

Submissions 8 to 17 of 17:

All of Us Research Program, National Institutes of Health
Classification: Likely pathogenic for Hypertrophic cardiomyopathy. Last evaluated: 2024-09-12. Review status: criteria provided, single submitter. Criteria: ACMG Guidelines, 2015. Collection method: clinical testing. Allele origin: germline. Inheritance: Autosomal dominant inheritance. Observed: 5 variant alleles, 5 heterozygotes. Not counted in ClinVar's aggregate classification.
Comment: This missense variant replaces arginine with glycine at codon 495 of the MYBPC3 protein. Computational prediction is inconclusive regarding the impact of this variant on protein structure and function (internally defined REVEL score threshold 0.5 < inconclusive < 0.7, PMID: 27666373). To our knowledge, functional studies have not been reported for this variant. This variant has been reported in multiple individuals affected with hypertrophic cardiomyopathy (PMID: 18403758, 19659763, 20624503, 22267749, 23140321, 25611685, 26455666). This variant has also been observed in asymptomatic carriers, suggesting incomplete penetrance (PMID: 20019025). This variant has been identified in 1/249206 chromosomes in the general population by the Genome Aggregation Database (gnomAD). Different missense substitutions at this codon, p.Arg495Gln and p.Arg495Trp, are reported to be pathogenic (Clinvar variation ID: 164113 and 164114, respectively), indicating the importance of arginine residue at this position. Based on the available evidence, this variant is classified as Likely Pathogenic.

This study involves interpretation of variants in research participants for the purpose of population health screening. Participant phenotype was not available at the time of variant classification. Additional details can be found in publication PMID: 35346344, PMCID: PMC8962531

Color Diagnostics, LLC DBA Color Health
Classification: Likely pathogenic for Cardiomyopathy. Last evaluated: 2024-04-22. Review status: criteria provided, single submitter. Criteria: ACMG Guidelines, 2015. Collection method: clinical testing. Allele origin: germline. Not counted in ClinVar's aggregate classification.
Comment: This missense variant replaces arginine with glycine at codon 495 in the Ig-like domain C3 of the MYBPC3 protein. Computational prediction tools indicate that this variant has a deleterious impact on protein structure and function. To our knowledge, functional studies have not been reported for this variant. This variant has been reported in individuals affected with hypertrophic cardiomyopathy (PMID: 18403758, 19659763, 20624503, 22267749, 22574137, 23140321, 25611685, 26455666, 27532257, 28615295, 34310159). Different variants occurring at the same codon, p.Arg495Gln and p.Arg495Trp, are well documented pathogenic mutations (Clinvar variation ID: 164113 and 164114), indicating that arginine at this position is important for MYBPC3 protein function. This variant has been identified in 1/249206 chromosomes in the general population by the Genome Aggregation Database (gnomAD). Based on the available evidence, this variant is classified as Likely Pathogenic.

GeneDx
Classification: Pathogenic. Last evaluated: 2024-03-21. Review status: criteria provided, single submitter. Criteria: GeneDx Variant Classification Process June 2021. Collection method: clinical testing. Allele origin: germline. Affected: yes. Not counted in ClinVar's aggregate classification.
Comment: In silico analysis supports that this missense variant has a deleterious effect on protein structure/function; Not observed at significant frequency in large population cohorts (gnomAD); This variant is associated with the following publications: (PMID: 19659763, 22574137, 26671970, 31006259, 23140321, 23396983, 22267749, 18403758, 24704860, 20624503, 23690394, 20433692, 9562578, 18713777, 19150014, 11499718, 28615295, 25611685, 25740977, 25031304, 21415409, 25058872, 22857948, 22765922, 27532257, 28408708, 31447099, 31589614, 33012304, 33087929, 34400558, 20019025)

Baylor Genetics
Classification: Pathogenic for Hypertrophic cardiomyopathy 4. Last evaluated: 2023-12-20. Review status: criteria provided, single submitter. Criteria: ACMG Guidelines, 2015. Collection method: clinical testing. Allele origin: unknown. Not counted in ClinVar's aggregate classification.

Baylor Genetics
Classification: Pathogenic for Left ventricular noncompaction 10. Last evaluated: 2023-12-20. Review status: criteria provided, single submitter. Criteria: ACMG Guidelines, 2015. Collection method: clinical testing. Allele origin: unknown. Not counted in ClinVar's aggregate classification.

Revvity Omics, Revvity
Classification: Likely pathogenic. Last evaluated: 2022-03-17. Review status: criteria provided, single submitter. Criteria: ACMG Guidelines, 2015. Collection method: clinical testing. Allele origin: germline. Not counted in ClinVar's aggregate classification.

Agnes Ginges Centre for Molecular Cardiology, Centenary Institute
Classification: Pathogenic for Hypertrophic cardiomyopathy 1. Last evaluated: 2017-03-14. Review status: criteria provided, single submitter. Criteria: Agnes Ginges Centre for Molecular Cardiology criteria (2015). Collection method: research. Allele origin: germline. Inheritance: Autosomal dominant inheritance. Affected: yes. Not counted in ClinVar's aggregate classification.
Comment: This MYBPC3 Arg495Gly variant has previously been identified in multiple unrelated HCM cases and absent from >1500 control chromosomes, collectively (Alfares AA, et al., 2015; Morita H, et al., 2008; Frisso G, et al., 2009; Millat G, et al., 2010; Calore C, et al., 2015; Oxford genetics). This variant is also absent from the 1000 genomes project, as well as the Exome Aggregation Consortium dataset. Familial evaluation by Page SP, et al. (2012) identified Arg495Gly in 3 affected HCM cases (2 families) with fully penetrant disease. Incomplete penetrance and/or asymptomatic carriers of this variant has been reported in the literature where familial screening is available (Christiaans I, et al., 2010; Morita H, et al., 2008). Interestingly, other amino acid substitutions at codon 495 (Arg495Trp, Arg495Gln) have also been idenitifed in HCM cases, and the Arg495Gln variant has been classified as a pathogenic variant, which provides strong support that that an amino acid substitution at this position is not tolerated. Structurally, Arg495 is located in a positively charged region of the C3 domain, where it is exposed on the protein surface of MYBPC3. It is predicted that amino acid substitutions in this domain will likely perturb the surface charge and disrupt the interaction of MYBPC3 with other proteins (Zhang XL, et al., 2014). In silico tools (SIFT, PolyPhen-2, MutationTaster) predict MYBPC3 Arg495Gly to be disease-causing. In summary, based on rarity in general populations, reports of multiple HCM probands with the variant, segregation data and the pathogenic classification of a different amino acid substitution at this position, we classify the MYBPC3 Arg495Gly variant as "pathogenic".

Laboratory for Molecular Medicine, Mass General Brigham Personalized Medicine
Classification: Likely pathogenic for Hypertrophic cardiomyopathy. Last evaluated: 2017-02-06. Review status: criteria provided, single submitter. Criteria: LMM Criteria. Collection method: clinical testing. Allele origin: germline. Inheritance: Autosomal dominant inheritance. Observed: 18 variant alleles. Not counted in ClinVar's aggregate classification.
Comment: The p.Arg495Gly variant in MYBPC3 has been identified in 7 individuals with HCM (Morita 2008, Frisso 2009, Millat 2010, Calore 2015, LMM data), including 2 who also carried an additional disease-causing variant, and has also been reported b y other clinical laboratories in ClinVar (Variation ID: 42537). This variant seg regated with disease in 3 affected family members from 2 families (Frisso 2009, LMM data). However, this variant did not segregate with disease in all families (Morita 2008). It has been identified in 1/111690 European chromosomes by the Ex ome Aggregation Consortium (ExAC; dbSNP rs397515 905). In addition, two different amino acid changes at this position (p.Arg495Tr p and p.Arg495Gln) have been reported in individuals with HCM (Niimura 1998, Mar on 2001, Garcia-Castro 2009, Martin 2009, Rodriguez-Garcia 2010, Brito 2012, Cot o 2012, Lopes 2013), suggesting that changes at this position are not tolerated. However, data suggests that the p.Arg495Gln variant may have reduced penetrance . Computational prediction tools and conservation analysis suggest that this var iant may impact the protein. In summary, although additional studies are require d to fully establish its clinical significance, the p.Arg495Gly variant is likel y pathogenic. ACMG/AMP criteria applied (Richards 2015): PS4_Moderate, PM2, PP1, PP3.

Clinical Genetics Service, Universitary Hospital 12 de Octubre
Classification: Pathogenic for Hypertrophic cardiomyopathy 4. Review status: criteria provided, single submitter. Criteria: ACMG Guidelines, 2015. Collection method: clinical testing. Allele origin: germline. Affected: yes. Not counted in ClinVar's aggregate classification.

Zaffran Lab, Genetics of Cardiac Diseases Laboratory, Marseille Medical Genetics
Classification: Pathogenic for hypertrophic cardiomyopathy. Review status: no assertion criteria provided. Collection method: research. Allele origin: unknown. Affected: yes. Not counted in ClinVar's aggregate classification.

Literature cited by the submitters: PubMed 20624503 (cited by 8 submitters); PubMed 25740977 (cited by 4 submitters); PubMed 19659763 (cited by 8 submitters); PubMed 18403758 (cited by 8 submitters); PubMed 28640247 (cited by Victorian Clinical Genetics Services, Murdoch Childrens Research Institute); PubMed 28615295 (cited by 3 submitters); PubMed 32841044 (cited by Victorian Clinical Genetics Services, Murdoch Childrens Research Institute); PubMed 22574137 (cited by Labcorp Genetics (formerly Invitae), Labcorp and Color Diagnostics, LLC DBA Color Health); PubMed 9562578 (cited by Labcorp Genetics (formerly Invitae), Labcorp and Laboratory for Molecular Medicine, Mass General Brigham Personalized Medicine); PubMed 19150014 (cited by Labcorp Genetics (formerly Invitae), Labcorp and Laboratory for Molecular Medicine, Mass General Brigham Personalized Medicine); PubMed 20433692 (cited by Labcorp Genetics (formerly Invitae), Labcorp and Laboratory for Molecular Medicine, Mass General Brigham Personalized Medicine); PubMed 22765922 (cited by Labcorp Genetics (formerly Invitae), Labcorp and Laboratory for Molecular Medicine, Mass General Brigham Personalized Medicine); PubMed 23396983 (cited by 3 submitters); PubMed 26671970 (cited by Labcorp Genetics (formerly Invitae), Labcorp); PubMed 22267749 (cited by 4 submitters); PubMed 23140321 (cited by 3 submitters); PubMed 25351510 (cited by Ambry Genetics); PubMed 27532257 (cited by Ambry Genetics and Color Diagnostics, LLC DBA Color Health); PubMed 20019025 (cited by 3 submitters); PubMed 25611685 (cited by 3 submitters); PubMed 26455666 (cited by All of Us Research Program, National Institutes of Health and Color Diagnostics, LLC DBA Color Health); PubMed 34310159 (cited by Color Diagnostics, LLC DBA Color Health); PubMed 25058872 (cited by Agnes Ginges Centre for Molecular Cardiology, Centenary Institute); PubMed 11499718 (cited by Laboratory for Molecular Medicine, Mass General Brigham Personalized Medicine); PubMed 21415409 (cited by Laboratory for Molecular Medicine, Mass General Brigham Personalized Medicine); PubMed 22857948 (cited by Laboratory for Molecular Medicine, Mass General Brigham Personalized Medicine); PubMed 18713777 (cited by Laboratory for Molecular Medicine, Mass General Brigham Personalized Medicine).